The following is an entry in ClinVar:

ClinVar aggregate classification (germline): Uncertain significance. Review status: criteria provided, multiple submitters, no conflicts (2 of 4 stars). 2 submissions from 2 submitters: Uncertain significance (2). Last evaluated 2022-08-23.

Conditions:
Focal segmental glomerulosclerosis 6 (FSGS6). Identifiers: Orphanet 656, MedGen C3279905, MONDO:0013589, OMIM 614131.

Allele frequency attached by ClinVar (database versions not stated): ExAC 0.00001; gnomAD 0.00001; gnomAD exomes 0.00001; TOPMed 0.00001.
gnomAD v4.1: 15 of 1,613,956 alleles (0.00093%); highest among the groups gnomAD compares: Admixed American, 0.0017%; no homozygotes.

Submissions (2):

Labcorp Genetics (formerly Invitae), Labcorp
Classification: Uncertain significance. Last evaluated: 2022-08-23. Review status: criteria provided, single submitter. Criteria: Invitae Variant Classification Sherloc (09022015). Collection method: clinical testing. Allele origin: germline.
Comment: Algorithms developed to predict the effect of missense changes on protein structure and function are either unavailable or do not agree on the potential impact of this missense change (SIFT: "Deleterious"; PolyPhen-2: "Benign"; Align-GVGD: "Class C0"). ClinVar contains an entry for this variant (Variation ID: 1502219). This variant has not been reported in the literature in individuals affected with MYO1E-related conditions. This variant is present in population databases (rs746688811, gnomAD 0.003%). This sequence change replaces alanine, which is neutral and non-polar, with threonine, which is neutral and polar, at codon 552 of the MYO1E protein (p.Ala552Thr). In summary, the available evidence is currently insufficient to determine the role of this variant in disease. Therefore, it has been classified as a Variant of Uncertain Significance.

Fulgent Genetics
Classification: Uncertain significance for Focal segmental glomerulosclerosis 6. Last evaluated: 2022-04-11. Review status: criteria provided, single submitter. Criteria: ACMG Guidelines, 2015. Collection method: clinical testing. Allele origin: unknown.

NM_004998.4(MYO1E):c.1654G>A (p.Ala552Thr)

Gene: MYO1E (myosin IE; minus strand). Cytogenetic location: 15q22.2.
Variant type: single nucleotide variant.
Coding change: c.1654G>A on transcript NM_004998.4 (MANE Select); coding-DNA position 1654, G replaced by A.
Protein change: p.Ala552Thr; replaces alanine 552 with threonine.
Molecular consequence: missense variant.
Genome position (GRCh38, 1-based): chr15:59,202,370, C>T on the plus strand (G>A on the coding strand, the complement: MYO1E is on the minus strand). VCF-style: chr15-59202370-C-T. GRCh37 (hg19) VCF-style: chr15-59494569-C-T.
Other names: short protein forms A552T.
Identifiers: ClinVar variation 1502219 (VCV001502219.7), dbSNP rs746688811, ClinGen allele CA7589545.
Genomic context (GRCh38, chr15:59,202,370, plus strand): 5'-CTAAAATAGAACTAACCTTTATTTTGCTTCCGGCAGTAGTTGGGCGCCCTTTCTTGTCAG[C>T]CTGCAGATTTTCCGGAAATAAAGACTTTATGAAAGGCCTGGAAAAGGAGAAAGAGAATGA-3'
Protein context (NP_004989.2, residues 542-562): IKSLFPENLQ[Ala552Thr]DKKGRPTTAG